The following is an entry in ClinVar:

ClinVar aggregate classification (germline): Likely pathogenic (1 of 4 stars; one submission).

Conditions:
ERCC6L2-related disorder. Also called: ERCC6L2-related condition.

Submission:

PreventionGenetics, part of Exact Sciences
Classification: Likely pathogenic for ERCC6L2-related condition. Last evaluated: 2023-03-23. Review status: criteria provided, single submitter. Criteria: ACMG Guidelines, 2015. Collection method: clinical testing. Allele origin: germline.
Comment: The ERCC6L2 c.3333_3336delTCAA variant is predicted to result in a frameshift and premature protein termination (p.Asn1111Lysfs*12). This variant has been reported in an individual with bone marrow failure (reported as c.3300_3303delTCAA in Tummala et al. 2018. PubMed ID: 29987015). This variant is interpreted as likely pathogenic.

NM_020207.7(ERCC6L2):c.3300_3303del (p.Asn1100fs)

Gene: ERCC6L2 (ERCC excision repair 6 like 2; plus strand). Cytogenetic location: 9q22.32.
Variant type: Deletion.
Coding change: c.3300_3303del on transcript NM_020207.7 (MANE Select); coding-DNA positions 3300 to 3303, 4 bases deleted (TCAA; older notation c.3300_3303delTCAA).
Protein change: p.Asn1100fs; shifts the reading frame from asparagine 1100.
Molecular consequence: frameshift variant. On other transcripts: non-coding transcript variant (1).
Genome position (GRCh38, 1-based): chr9:95,973,051-95,973,054, TCAA deleted; deleting any 4 consecutive bases within chr9:95,973,049-95,973,054 gives the same sequence; the c. name uses the placement nearest the transcript's 3' end. VCF-style (leftmost placement, unchanged base first): chr9-95973048-TAATC-T. GRCh37 (hg19) VCF-style: chr9-98735330-TAATC-T.
Other names: c.3333_3336delTCAA (NM_020207.4); c.3300_3303delTCAA (NM_020207.7); c.3300_3303del, p.Asn1100fs (NM_001375291.1, NM_001375292.1, NM_001375293.1 and 1 more transcripts); short protein forms N1100fs.
Identifiers: ClinVar variation 1174156 (VCV001174156.2), dbSNP rs1480433270, ClinGen allele CA868838944.